The following is an entry in ClinVar:

ClinVar aggregate classification (germline): Uncertain significance. Review status: criteria provided, multiple submitters, no conflicts (2 of 4 stars). 2 submissions from 2 submitters: Uncertain significance (2). Last evaluated 2026-05-01.

Conditions:
Cardiovascular phenotype. Identifiers: MedGen CN230736.

Submissions (2):

Women's Health and Genetics/Laboratory Corporation of America, LabCorp
Classification: Uncertain significance. Last evaluated: 2026-05-01. Review status: criteria provided, single submitter. Criteria: LabCorp Variant Classification Summary - May 2015. Collection method: clinical testing. Allele origin: germline.
Comment: Variant summary: APOA1 c.400G>C (p.Glu134Gln) results in a conservative amino acid change in the encoded protein sequence. Algorithms developed to predict the effect of missense changes on protein structure and function all suggest that this variant is likely to be tolerated. The variant was absent in 248940 control chromosomes. The available data on variant occurrences in the general population are insufficient to allow any conclusion about variant significance. To our knowledge, no occurrence of c.400G>C in individuals affected with APOA1-related conditions and no experimental evidence demonstrating its impact on protein function have been reported. ClinVar contains an entry for this variant (Variation ID: 3931647). Based on the evidence outlined above, the variant was classified as uncertain significance.

Ambry Genetics
Classification: Uncertain significance for Cardiovascular phenotype. Last evaluated: 2025-03-31. Review status: criteria provided, single submitter. Criteria: Ambry Variant Classification Scheme 2023. Collection method: clinical testing. Allele origin: germline.
Comment: The p.E134Q variant (also known as c.400G>C), located in coding exon 3 of the APOA1 gene, results from a G to C substitution at nucleotide position 400. The glutamic acid at codon 134 is replaced by glutamine, an amino acid with highly similar properties. This amino acid position is conserved. In addition, this alteration is predicted to be tolerated by in silico analysis. Based on the available evidence, the clinical significance of this variant remains unclear.

NM_000039.3(APOA1):c.400G>C (p.Glu134Gln)

Genes: APOA1 (apolipoprotein A1; minus strand), APOA1-AS (APOA1 antisense RNA; plus strand). Cytogenetic location: 11q23.3.
Variant type: single nucleotide variant.
Coding change: c.400G>C on transcript NM_000039.3 (MANE Select); coding-DNA position 400, G replaced by C.
Protein change: p.Glu134Gln; replaces glutamic acid 134 with glutamine.
Molecular consequence: missense variant. On other transcripts: non-coding transcript variant (1).
Genome position (GRCh38, 1-based): chr11:116,836,212, C>G on the plus strand (G>C on the coding strand, the complement: APOA1 is on the minus strand). VCF-style: chr11-116836212-C-G. GRCh37 (hg19) VCF-style: chr11-116706928-C-G.
Other names: c.400G>C, p.Glu134Gln (NM_001318017.2, NM_001318018.2, NM_001425090.1 and 1 more transcripts); c.73G>C, p.Glu25Gln (NM_001318021.2, NM_001425091.1, NM_001425092.1); short protein forms E25Q, E134Q.
Identifiers: ClinVar variation 3931647 (VCV003931647.2).